The following is an entry in ClinVar:

ClinVar aggregate classification (germline): Uncertain significance. Review status: criteria provided, multiple submitters, no conflicts (2 of 4 stars). 3 submissions from 3 submitters: Uncertain significance (3). Last evaluated 2025-05-01.

Allele frequency attached by ClinVar (database versions not stated): TOPMed 0.00002; gnomAD 0.00001; gnomAD exomes 0.00002 and 0.00001; 1000 Genomes Project 30x 0.00016; 1000 Genomes Project 0.00020; ExAC 0.00002.

Submissions (3):

Dasa
Classification: Uncertain significance. Last evaluated: 2025-05-01. Review status: criteria provided, single submitter. Criteria: DASA Assertion Criteria. Collection method: clinical testing. Allele origin: germline.
Comment: NM_000122.2(ERCC3):c.2263G>A (p.Asp755Asn) is a missense variant that results in the substitution of aspartic acid with asparagine. This variant is rare in population databases. Computational prediction algorithms are consistent with a benign effect. The currently available literature and clinical evidence are not sufficient to establish a definitive association between this variant and the reported condition. Therefore, this variant is classified as a variant of uncertain significance.

Labcorp Genetics (formerly Invitae), Labcorp
Classification: Uncertain significance. Last evaluated: 2022-08-24. Review status: criteria provided, single submitter. Criteria: Invitae Variant Classification Sherloc (09022015). Collection method: clinical testing. Allele origin: germline.
Comment: This sequence change replaces aspartic acid, which is acidic and polar, with asparagine, which is neutral and polar, at codon 755 of the ERCC3 protein (p.Asp755Asn). This variant is present in population databases (rs115312738, gnomAD 0.004%). This variant has not been reported in the literature in individuals affected with ERCC3-related conditions. ClinVar contains an entry for this variant (Variation ID: 1416691). Algorithms developed to predict the effect of missense changes on protein structure and function (SIFT, PolyPhen-2, Align-GVGD) all suggest that this variant is likely to be tolerated. In summary, the available evidence is currently insufficient to determine the role of this variant in disease. Therefore, it has been classified as a Variant of Uncertain Significance.

Mendelics
Classification: Uncertain significance. Last evaluated: 2022-05-04. Review status: criteria provided, single submitter. Criteria: Mendelics Assertion Criteria 2019. Collection method: clinical testing. Allele origin: germline.

NM_000122.2(ERCC3):c.2263G>A (p.Asp755Asn)

Gene: ERCC3 (ERCC excision repair 3, TFIIH core complex helicase subunit; minus strand). Cytogenetic location: 2q14.3.
Variant type: single nucleotide variant.
Coding change: c.2263G>A on transcript NM_000122.2 (MANE Select); coding-DNA position 2263, G replaced by A.
Protein change: p.Asp755Asn; replaces aspartic acid 755 with asparagine.
Molecular consequence: missense variant.
Genome position (GRCh38, 1-based): chr2:127,257,682, C>T on the plus strand (G>A on the coding strand, the complement: ERCC3 is on the minus strand). VCF-style: chr2-127257682-C-T. GRCh37 (hg19) VCF-style: chr2-128015258-C-T.
Other names: c.2071G>A, p.Asp691Asn (NM_001303416.2, NM_001303418.2); short protein forms D691N, D755N.
Identifiers: ClinVar variation 1416691 (VCV001416691.8), dbSNP rs115312738, ClinGen allele CA1858019.
Genomic context (GRCh38, chr2:127,257,682, plus strand): 5'-GGTGTACATGTTTGCTGGGCGCCTTGCTCCGCGATGAGTGGTACTCCATGTACACAGTGT[C>T]GTCGGCCCCAGACATAGAACTCATGGTGCCAAAGCGCCGAGATGCCTGCCGGGAAGGGGG-3'
Protein context (NP_000113.1, residues 745-765): GTMSSMSGAD[Asp755Asn]TVYMEYHSSR